The following is an entry in ClinVar:

NM_001918.5(DBT):c.1343G>A (p.Trp448Ter)

Gene: DBT (dihydrolipoamide branched chain transacylase E2; minus strand). Cytogenetic location: 1p21.2.
Variant type: single nucleotide variant.
Coding change: c.1343G>A on transcript NM_001918.5 (MANE Select); coding-DNA position 1343, G replaced by A.
Protein change: p.Trp448Ter; replaces tryptophan 448 with a stop codon.
Molecular consequence: nonsense.
Genome position (GRCh38, 1-based): chr1:100,196,361, C>T on the plus strand (G>A on the coding strand, the complement: DBT is on the minus strand). VCF-style: chr1-100196361-C-T. GRCh37 (hg19) VCF-style: chr1-100661917-C-T.
Other names: short protein forms W448*.
Identifiers: ClinVar variation 556615 (VCV000556615.6), dbSNP rs749366506, ClinGen allele CA969468.

ClinVar aggregate classification (germline): Pathogenic. Review status: criteria provided, multiple submitters, no conflicts (2 of 4 stars). 3 submissions from 3 submitters: Pathogenic (2). 1 of the submissions does not count toward it. Last evaluated 2023-02-25.

Conditions:
Maple syrup urine disease type 1A (MSUD1A). Also called: MSUD type 1A. Identifiers: MedGen C1855369, MONDO:0023691, OMIM 248600.
Maple syrup urine disease (MSUD). Identifiers: Orphanet 511, MedGen C0024776, MeSH D008375, MONDO:0009563. Disease mechanism: loss of function.

Allele frequency attached by ClinVar (database versions not stated): gnomAD exomes below 0.00001; ExAC 0.00001; TOPMed 0.00001.
gnomAD v4.1: 3 of 1,603,072 alleles (0.00019%); highest among the groups gnomAD compares: Non-Finnish European, 0.00017%; no homozygotes.

Submissions (3):

Baylor Genetics
Classification: Pathogenic for Maple syrup urine disease type 1A. Last evaluated: 2023-02-25. Review status: criteria provided, single submitter. Criteria: ACMG Guidelines, 2015. Collection method: clinical testing. Allele origin: unknown.

Labcorp Genetics (formerly Invitae), Labcorp
Classification: Pathogenic for Maple syrup urine disease. Last evaluated: 2022-12-10. Review status: criteria provided, single submitter. Criteria: Invitae Variant Classification Sherloc (09022015). Collection method: clinical testing. Allele origin: germline.
Comment: This variant disrupts a region of the DBT protein in which other variant(s) (p.Met477Arg) have been determined to be pathogenic (PMID: 20307994; Invitae). This suggests that this is a clinically significant region of the protein, and that variants that disrupt it are likely to be disease-causing. For these reasons, this variant has been classified as Pathogenic. ClinVar contains an entry for this variant (Variation ID: 556615). This sequence change creates a premature translational stop signal (p.Trp448*) in the DBT gene. While this is not anticipated to result in nonsense mediated decay, it is expected to disrupt the last 35 amino acid(s) of the DBT protein. This variant is present in population databases (rs749366506, gnomAD 0.007%). This variant has not been reported in the literature in individuals affected with DBT-related conditions.

Counsyl
Classification: Uncertain significance for Maple syrup urine disease type 1A. Last evaluated: 2018-02-16. Review status: no assertion criteria provided. Collection method: clinical testing. Allele origin: unknown. Not counted in ClinVar's aggregate classification.

Literature cited by the submitters: PubMed 20307994 (cited by Labcorp Genetics (formerly Invitae), Labcorp).